The following is an entry in ClinVar:

NM_000229.2(LCAT):c.584A>G (p.Tyr195Cys)

Gene: LCAT (lecithin-cholesterol acyltransferase; minus strand). Cytogenetic location: 16q22.1.
Variant type: single nucleotide variant.
Coding change: c.584A>G on transcript NM_000229.2 (MANE Select); coding-DNA position 584, A replaced by G.
Protein change: p.Tyr195Cys; replaces tyrosine 195 with cysteine.
Molecular consequence: missense variant.
Genome position (GRCh38, 1-based): chr16:67,942,527, T>C on the plus strand (A>G on the coding strand, the complement: LCAT is on the minus strand). VCF-style: chr16-67942527-T-C. GRCh37 (hg19) VCF-style: chr16-67976430-T-C.
Other names: short protein forms Y195C.
Identifiers: ClinVar variation 1750055 (VCV001750055.3), dbSNP rs1206645203, ClinGen allele CA396378635.

ClinVar aggregate classification (germline): Uncertain significance. Review status: criteria provided, multiple submitters, no conflicts (2 of 4 stars). 2 submissions from 2 submitters: Uncertain significance (2). Last evaluated 2024-02-20.

Conditions:
Norum disease. Also called: Familial lecithin cholesterol acyltransferase deficiency. Identifiers: Orphanet 79293, MedGen C0023195, MONDO:0009515, OMIM 245900.
Fish-eye disease (FED). Also called: ALPHA-LCAT DEFICIENCY; DYSLIPOPROTEINEMIC CORNEAL DYSTROPHY; LCATA DEFICIENCY. Identifiers: Orphanet 650, Orphanet 79292, MedGen C0342895, MONDO:0007620, OMIM 136120.
Cardiovascular phenotype. Identifiers: MedGen CN230736.

Allele frequency attached by ClinVar (database versions not stated): gnomAD 0.00001; gnomAD exomes 0.00001; TOPMed 0.00002.
gnomAD v4.1: 12 of 1,613,482 alleles (0.00074%); highest among the groups gnomAD compares: Admixed American, 0.005%; no homozygotes.

Submissions (2):

Fulgent Genetics
Classification: Uncertain significance for Fish-eye disease; Norum disease. Last evaluated: 2024-02-20. Review status: criteria provided, single submitter. Criteria: ACMG Guidelines, 2015. Collection method: clinical testing. Allele origin: germline.

Ambry Genetics
Classification: Uncertain significance for Cardiovascular phenotype. Last evaluated: 2024-02-16. Review status: criteria provided, single submitter. Criteria: Ambry Variant Classification Scheme 2023. Collection method: clinical testing. Allele origin: germline.
Comment: The p.Y195C variant (also known as c.584A>G), located in coding exon 5 of the LCAT gene, results from an A to G substitution at nucleotide position 584. The tyrosine at codon 195 is replaced by cysteine, an amino acid with highly dissimilar properties. This amino acid position is conserved. In addition, this alteration is predicted to be deleterious by in silico analysis. Since supporting evidence is limited at this time, the clinical significance of this alteration remains unclear.